The following is an entry in ClinVar:

ClinVar aggregate classification (germline): Uncertain significance. Review status: criteria provided, multiple submitters, no conflicts (2 of 4 stars). 2 submissions from 2 submitters: Uncertain significance (2). Last evaluated 2024-10-16.

Allele frequency attached by ClinVar (database versions not stated): ExAC 0.00002; gnomAD exomes 0.00002; gnomAD 0.00004 and 0.00005; TOPMed 0.00005.
gnomAD v4.1: 156 of 1,614,056 alleles (0.0097%); highest among the groups gnomAD compares: Non-Finnish European, 0.012%; no homozygotes.

Submissions (2):

Labcorp Genetics (formerly Invitae), Labcorp
Classification: Uncertain significance. Last evaluated: 2024-10-16. Review status: criteria provided, single submitter. Criteria: Invitae Variant Classification Sherloc (09022015). Collection method: clinical testing. Allele origin: germline.
Comment: This sequence change replaces isoleucine, which is neutral and non-polar, with valine, which is neutral and non-polar, at codon 224 of the LAMA1 protein (p.Ile224Val). The frequency data for this variant in the population databases is considered unreliable, as metrics indicate poor data quality at this position in the gnomAD database. This variant has not been reported in the literature in individuals affected with LAMA1-related conditions. ClinVar contains an entry for this variant (Variation ID: 1312364). An algorithm developed to predict the effect of missense changes on protein structure and function outputs the following: PolyPhen-2: "Benign". The valine amino acid residue is found in multiple mammalian species, which suggests that this missense change does not adversely affect protein function. In summary, the available evidence is currently insufficient to determine the role of this variant in disease. Therefore, it has been classified as a Variant of Uncertain Significance.

GeneDx
Classification: Uncertain significance. Last evaluated: 2019-09-23. Review status: criteria provided, single submitter. Criteria: GeneDx Variant Classification Process June 2021. Collection method: clinical testing. Allele origin: germline. Affected: yes.
Comment: Not observed at a significant frequency in large population cohorts (Lek et al., 2016); In silico analysis, which includes protein predictors and evolutionary conservation, supports that this variant does not alter protein structure/function; Has not been previously published as pathogenic or benign to our knowledge

NM_005559.4(LAMA1):c.670A>G (p.Ile224Val)

Gene: LAMA1 (laminin subunit alpha 1; minus strand). Cytogenetic location: 18p11.31.
Variant type: single nucleotide variant.
Coding change: c.670A>G on transcript NM_005559.4 (MANE Select); coding-DNA position 670, A replaced by G.
Protein change: p.Ile224Val; replaces isoleucine 224 with valine.
Molecular consequence: missense variant.
Genome position (GRCh38, 1-based): chr18:7,049,176, T>C on the plus strand (A>G on the coding strand, the complement: LAMA1 is on the minus strand). VCF-style: chr18-7049176-T-C. GRCh37 (hg19) VCF-style: chr18-7049175-T-C.
Other names: short protein forms I224V.
Identifiers: ClinVar variation 1312364 (VCV001312364.4), dbSNP rs764611167, ClinGen allele CA8883228.